The following is an entry in ClinVar:

ClinVar aggregate classification (germline): Uncertain significance (1 of 4 stars; one submission).

Submission:

Labcorp Genetics (formerly Invitae), Labcorp
Classification: Uncertain significance. Last evaluated: 2022-03-16. Review status: criteria provided, single submitter. Criteria: Invitae Variant Classification Sherloc (09022015). Collection method: clinical testing. Allele origin: germline.
Comment: This variant is not present in population databases (gnomAD no frequency). This sequence change replaces phenylalanine, which is neutral and non-polar, with tyrosine, which is neutral and polar, at codon 366 of the SAMD9L protein (p.Phe366Tyr). This variant has not been reported in the literature in individuals affected with SAMD9L-related conditions. In summary, the available evidence is currently insufficient to determine the role of this variant in disease. Therefore, it has been classified as a Variant of Uncertain Significance. Algorithms developed to predict the effect of missense changes on protein structure and function output the following: SIFT: "Not Available"; PolyPhen-2: "Benign"; Align-GVGD: "Not Available". The tyrosine amino acid residue is found in multiple mammalian species, which suggests that this missense change does not adversely affect protein function.

NM_152703.5(SAMD9L):c.1097T>A (p.Phe366Tyr)

Gene: SAMD9L (sterile alpha motif domain containing 9 like; minus strand). Cytogenetic location: 7q21.2.
Variant type: single nucleotide variant.
Coding change: c.1097T>A on transcript NM_152703.5 (MANE Select); coding-DNA position 1097, T replaced by A.
Protein change: p.Phe366Tyr; replaces phenylalanine 366 with tyrosine.
Molecular consequence: missense variant.
Genome position (GRCh38, 1-based): chr7:93,134,875, A>T on the plus strand (T>A on the coding strand, the complement: SAMD9L is on the minus strand). VCF-style: chr7-93134875-A-T. GRCh37 (hg19) VCF-style: chr7-92764188-A-T.
Other names: c.1097T>A, p.Phe366Tyr (NM_001303496.3, NM_001303497.3, NM_001303498.3 and 5 more transcripts); short protein forms F366Y.
Identifiers: ClinVar variation 2113024 (VCV002113024.4), dbSNP rs2535431386, ClinGen allele CA368198810.